The following is an entry in ClinVar:

NM_004998.4(MYO1E):c.1603C>T (p.Gln535Ter)

Gene: MYO1E (myosin IE; minus strand). Cytogenetic location: 15q22.2.
Variant type: single nucleotide variant.
Coding change: c.1603C>T on transcript NM_004998.4 (MANE Select); coding-DNA position 1603, C replaced by T.
Protein change: p.Gln535Ter; replaces glutamine 535 with a stop codon.
Molecular consequence: nonsense.
Genome position (GRCh38, 1-based): chr15:59,205,413, G>A on the plus strand (C>T on the coding strand, the complement: MYO1E is on the minus strand). VCF-style: chr15-59205413-G-A. GRCh37 (hg19) VCF-style: chr15-59497612-G-A.
Other names: p.Gln535*; short protein forms Q535*.
Identifiers: ClinVar variation 4541954 (VCV004541954.1).
Genomic context (GRCh38, chr15:59,205,413, plus strand): 5'-TTTCATCAAACCTATATCCCCTGTCAGCTATGGCAAAACATACTTACAGCTCGCTGCTCT[G>A]CATAAGCTCGATGAGATCCATAAAAAGCACATCCCGGTTCCTTTCACAAAAGCCATCCAT-3'

ClinVar aggregate classification (germline): Likely pathogenic (1 of 4 stars; one submission).

Submission:

Mayo Clinic Laboratories, Mayo Clinic
Classification: Likely pathogenic. Last evaluated: 2025-07-16. Review status: criteria provided, single submitter. Criteria: ACMG Guidelines, 2015. Collection method: clinical testing. Allele origin: germline. Observed: 1 variant allele.
Comment: PM2_supporting, PVS1